The following is an entry in ClinVar:

ClinVar aggregate classification (germline): Uncertain significance (1 of 4 stars; one submission).

Conditions:
Hereditary cancer-predisposing syndrome. Also called: Hereditary Cancer Syndrome; Tumor predisposition; Hereditary neoplastic syndrome; Neoplastic Syndromes, Hereditary. Identifiers: Orphanet 140162, MedGen C0027672, MeSH D009386, MONDO:0015356.

gnomAD v4.1: 2 of 1,606,414 alleles (0.00012%); highest among the groups gnomAD compares: Non-Finnish European, 0.00017%; no homozygotes.

Submission:

Ambry Genetics
Classification: Uncertain significance for Hereditary cancer-predisposing syndrome. Last evaluated: 2024-05-31. Review status: criteria provided, single submitter. Criteria: Ambry Variant Classification Scheme 2023. Collection method: clinical testing. Allele origin: germline.
Comment: The c.1569-4C>G intronic variant results from a C to G substitution 4 nucleotides upstream from coding exon 7 in the BARD1 gene. This nucleotide position is well conserved in available vertebrate species. In silico splice site analysis predicts that this alteration may weaken the native splice acceptor site and will result in the creation or strengthening of a novel splice acceptor site. Based on the available evidence, the clinical significance of this variant remains unclear.

NM_000465.4(BARD1):c.1569-4C>G

Gene: BARD1 (BRCA1 associated RING domain 1; minus strand). Cytogenetic location: 2q35.
Variant type: single nucleotide variant.
Coding change: c.1569-4C>G on transcript NM_000465.4 (MANE Select); 4 bases into the intron before coding-DNA position 1569, C replaced by G.
Molecular consequence: intron variant.
Genome position (GRCh38, 1-based): chr2:214,752,559, G>C on the plus strand (C>G on the coding strand, the complement: BARD1 is on the minus strand). VCF-style: chr2-214752559-G-C. GRCh37 (hg19) VCF-style: chr2-215617283-G-C.
Other names: c.159-4C>G (NM_001282548.2); c.1512-4C>G (NM_001282543.2); c.216-4C>G (NM_001282545.2); c.365-22051C>G (NM_001282549.2).
Identifiers: ClinVar variation 3260446 (VCV003260446.1).